The following is an entry in ClinVar:

NM_001267550.2(TTN):c.100790A>G (p.Lys33597Arg)

Genes: TTN (titin; minus strand), TTN-AS1 (TTN antisense RNA 1; plus strand). Cytogenetic location: 2q31.2.
Variant type: single nucleotide variant.
Coding change: c.100790A>G on transcript NM_001267550.2 (MANE Select); coding-DNA position 100790, A replaced by G.
Protein change: p.Lys33597Arg; replaces lysine 33597 with arginine.
Molecular consequence: missense variant. On other transcripts: non-coding transcript variant (1).
Genome position (GRCh38, 1-based): chr2:178,535,825, T>C on the plus strand (A>G on the coding strand, the complement: TTN is on the minus strand). VCF-style: chr2-178535825-T-C. GRCh37 (hg19) VCF-style: chr2-179400552-T-C.
Other names: c.95867A>G, p.Lys31956Arg (NM_001256850.1); c.73595A>G, p.Lys24532Arg (NM_003319.4); c.93086A>G, p.Lys31029Arg (NM_133378.4); c.73970A>G, p.Lys24657Arg (NM_133432.3); c.74171A>G, p.Lys24724Arg (NM_133437.4); short protein forms K24532R, K24657R, K24724R, K31029R, K31956R, K33597R.
Identifiers: ClinVar variation 2023136 (VCV002023136.4), dbSNP rs2468589005, ClinGen allele CA349424577.

ClinVar aggregate classification (germline): Uncertain significance (1 of 4 stars; one submission).

Conditions:
Autosomal recessive limb-girdle muscular dystrophy type 2J (LGMDR10). Also called: Limb-girdle muscular dystrophy, type 2J; MUSCULAR DYSTROPHY, LIMB-GIRDLE, AUTOSOMAL RECESSIVE 10. Identifiers: Orphanet 140922, MedGen C1837342, MONDO:0012127, OMIM 608807.
Dilated cardiomyopathy 1G (CMD1G). Identifiers: Orphanet 154, MedGen C1858763, MONDO:0011400, OMIM 604145.

Submission:

Labcorp Genetics (formerly Invitae), Labcorp
Classification: Uncertain significance for Dilated cardiomyopathy 1G; Autosomal recessive limb-girdle muscular dystrophy type 2J. Last evaluated: 2022-10-07. Review status: criteria provided, single submitter. Criteria: Invitae Variant Classification Sherloc (09022015). Collection method: clinical testing. Allele origin: germline.
Comment: This sequence change replaces lysine, which is basic and polar, with arginine, which is basic and polar, at codon 33597 of the TTN protein (p.Lys33597Arg). This variant is not present in population databases (gnomAD no frequency). This variant has not been reported in the literature in individuals affected with TTN-related conditions. Experimental studies and prediction algorithms are not available or were not evaluated, and the functional significance of this variant is currently unknown. This variant is located in the M band of TTN (PMID: 25589632). Variants in this region may be relevant for neuromuscular disorders, but have not been definitively shown to cause cardiomyopathy (PMID: 23975875). In summary, the available evidence is currently insufficient to determine the role of this variant in disease. Therefore, it has been classified as a Variant of Uncertain Significance.

Literature cited by the submitters: PubMed 25589632; PubMed 23975875.